The following is an entry in ClinVar:

NM_001330723.2(SNX27):c.820G>A (p.Asp274Asn)

Gene: SNX27 (sorting nexin 27; plus strand). Cytogenetic location: 1q21.3.
Variant type: single nucleotide variant.
Coding change: c.820G>A on transcript NM_001330723.2 (MANE Select); coding-DNA position 820, G replaced by A.
Protein change: p.Asp274Asn; replaces aspartic acid 274 with asparagine.
Molecular consequence: missense variant.
Genome position (GRCh38, 1-based): chr1:151,662,184, G>A. VCF-style: chr1-151662184-G-A. GRCh37 (hg19) VCF-style: chr1-151634660-G-A.
Other names: c.820G>A, p.Asp274Asn (NM_030918.6); short protein forms D274N.
Identifiers: ClinVar variation 852966 (VCV000852966.10), dbSNP rs749266618, ClinGen allele CA1093505.

ClinVar aggregate classification (germline): Uncertain significance (1 of 4 stars; one submission).

Conditions:
Severe myoclonic epilepsy in infancy (DRVT). Also called: Dravet syndrome; SEVERE MYOCLONIC EPILEPSY OF INFANCY; DEVELOPMENTAL AND EPILEPTIC ENCEPHALOPATHY 6A; Severe Myoclonic Epilepsy in Infancy (SMEI); Epileptic encephalopathy, early infantile, 6 (Dravet syndrome). Identifiers: Orphanet 33069, MedGen C0751122, MONDO:0100135, OMIM 607208.

Allele frequency attached by ClinVar (database versions not stated): gnomAD exomes below 0.00001; ExAC 0.00001; TOPMed 0.00001.
gnomAD v4.1: 5 of 1,613,250 alleles (0.00031%); highest among the groups gnomAD compares: African/African-American, 0.0027%; no homozygotes.

Submission:

Labcorp Genetics (formerly Invitae), Labcorp
Classification: Uncertain significance for Severe myoclonic epilepsy in infancy. Last evaluated: 2019-05-06. Review status: criteria provided, single submitter. Criteria: Invitae Variant Classification Sherloc (09022015). Collection method: clinical testing. Allele origin: germline.
Comment: In summary, the available evidence is currently insufficient to determine the role of this variant in disease. Therefore, it has been classified as a Variant of Uncertain Significance. Algorithms developed to predict the effect of missense changes on protein structure and function are either unavailable or do not agree on the potential impact of this missense change (SIFT: "Deleterious"; PolyPhen-2: "Possibly Damaging"; Align-GVGD: "Class C15"). This variant has not been reported in the literature in individuals with SNX27-related conditions. This variant is present in population databases (rs749266618, ExAC 0.009%). This sequence change replaces aspartic acid with asparagine at codon 274 of the SNX27 protein (p.Asp274Asn). The aspartic acid residue is highly conserved and there is a small physicochemical difference between aspartic acid and asparagine.